The following is an entry in ClinVar:

ClinVar aggregate classification (germline): Uncertain significance (1 of 4 stars; one submission).

Allele frequency attached by ClinVar (database versions not stated): gnomAD exomes below 0.00001; TOPMed below 0.00001.
gnomAD v4.1: 3 of 1,507,066 alleles (0.0002%); highest among the groups gnomAD compares: Non-Finnish European, 0.00018%; no homozygotes.

Submission:

Labcorp Genetics (formerly Invitae), Labcorp
Classification: Uncertain significance. Last evaluated: 2022-06-27. Review status: criteria provided, single submitter. Criteria: Invitae Variant Classification Sherloc (09022015). Collection method: clinical testing. Allele origin: germline.
Comment: This sequence change replaces glycine, which is neutral and non-polar, with alanine, which is neutral and non-polar, at codon 384 of the PRDM13 protein (p.Gly384Ala). This variant is not present in population databases (gnomAD no frequency). This variant has not been reported in the literature in individuals affected with PRDM13-related conditions. ClinVar contains an entry for this variant (Variation ID: 853775). Algorithms developed to predict the effect of missense changes on protein structure and function (SIFT, PolyPhen-2, Align-GVGD) all suggest that this variant is likely to be tolerated. In summary, the available evidence is currently insufficient to determine the role of this variant in disease. Therefore, it has been classified as a Variant of Uncertain Significance.

NM_021620.4(PRDM13):c.1151G>C (p.Gly384Ala)

Genes: PRDM13 (PR/SET domain 13; plus strand), LOC129996881 (ATAC-STARR-seq lymphoblastoid silent region 17422; plus strand). Cytogenetic location: 6q16.2.
Variant type: single nucleotide variant.
Coding change: c.1151G>C on transcript NM_021620.4 (MANE Select); coding-DNA position 1151, G replaced by C.
Protein change: p.Gly384Ala; replaces glycine 384 with alanine.
Molecular consequence: missense variant.
Genome position (GRCh38, 1-based): chr6:99,613,786, G>C. VCF-style: chr6-99613786-G-C. GRCh37 (hg19) VCF-style: chr6-100061662-G-C.
Other names: short protein forms G384A.
Identifiers: ClinVar variation 853775 (VCV000853775.10), dbSNP rs1770078302, ClinGen allele CA365117818.
Genomic context (GRCh38, chr6:99,613,786, plus strand): 5'-CCAAGTGCCTGCTCGCTGGGGACCCGCCGCCGCCGCCGCCGCCTGGCCTGCCCTGCTCTG[G>C]GGCCCTGCGCGGCTTCCCTCTGCTCTCCGTCCCCCCGGAAGAGGCGTCCGCCTTCAAGCA-3'
Protein context (NP_067633.2, residues 374-394): PPPPPGLPCS[Gly384Ala]ALRGFPLLSV